The following is an entry in ClinVar:

NM_001145319.2(PLS1):c.1783G>A (p.Gly595Ser)

Gene: PLS1 (plastin 1; plus strand). Cytogenetic location: 3q23.
Variant type: single nucleotide variant.
Coding change: c.1783G>A on transcript NM_001145319.2 (MANE Select); coding-DNA position 1783, G replaced by A.
Protein change: p.Gly595Ser; replaces glycine 595 with serine.
Molecular consequence: missense variant.
Genome position (GRCh38, 1-based): chr3:142,711,900, G>A. VCF-style: chr3-142711900-G-A. GRCh37 (hg19) VCF-style: chr3-142430742-G-A.
Other names: c.1783G>A, p.Gly595Ser (NM_001172312.2, NM_002670.3); short protein forms G595S.
Identifiers: ClinVar variation 4981901 (VCV004981901.1).

ClinVar aggregate classification (germline): Uncertain significance (1 of 4 stars; one submission).

Conditions:
PLS1-related disorder. Also called: PLS1-related condition.

gnomAD v4.1: 29 of 1,613,498 alleles (0.0018%); highest among the groups gnomAD compares: Admixed American, 0.0067%; no homozygotes.

Submission:

PreventionGenetics, part of Exact Sciences
Classification: Uncertain significance for PLS1-related condition. Last evaluated: 2026-09-04. Review status: criteria provided, single submitter. Criteria: ACMG Guidelines, 2015. Collection method: clinical testing. Allele origin: germline.
Comment: The PLS1 c.1783G>A variant is predicted to result in the amino acid substitution p.Gly595Ser. To our knowledge, this variant has not been reported in the literature. This variant is reported in 0.011% of alleles in individuals of Latino descent in gnomAD. Although we suspect that this variant may be benign, at this time, the clinical significance of this variant is uncertain due to the absence of conclusive functional and genetic evidence.